The following is an entry in ClinVar:

NR_003051.4(RMRP):n.267T>C

Gene: RMRP (RNA component of mitochondrial RNA processing endoribonuclease; minus strand). Cytogenetic location: 9p13.3.
Variant type: single nucleotide variant.
Genome position: GRCh38 VCF-style: chr9-35657753-A-G. GRCh37 (hg19) VCF-style: chr9-35657750-A-G.
Identifiers: ClinVar variation 972235 (VCV000972235.11), dbSNP rs557906740, ClinGen allele CA464450104.

ClinVar aggregate classification (germline): Uncertain significance. Review status: criteria provided, multiple submitters, no conflicts (2 of 4 stars). 3 submissions from 3 submitters: Uncertain significance (2). 1 of the submissions does not count toward it. Last evaluated 2024-12-02.

Conditions:
Anauxetic dysplasia. Identifiers: Orphanet 93347, MedGen C1846796, MONDO:0011773.
Metaphyseal chondrodysplasia, McKusick type (CHH). Also called: Cartilage-hair hypoplasia; Cartilage-Hair Hypoplasia (CHH). Identifiers: Orphanet 175, MedGen C0220748, MONDO:0009595, OMIM 250250.

Allele frequency attached by ClinVar (database versions not stated): TOPMed 0.00003.
gnomAD v4.1: 41 of 684,510 alleles (0.006%); highest among the groups gnomAD compares: East Asian, 0.032%; no homozygotes.

Submissions (3):

Labcorp Genetics (formerly Invitae), Labcorp
Classification: Uncertain significance for Anauxetic dysplasia. Last evaluated: 2024-12-02. Review status: criteria provided, single submitter. Criteria: Invitae Variant Classification Sherloc (09022015). Collection method: clinical testing. Allele origin: germline.
Comment: This variant occurs in the RMRP gene, which encodes an RNA molecule that does not result in a protein product. This variant is present in population databases (no rsID available, gnomAD 0.005%). This variant has not been reported in the literature in individuals affected with RMRP-related conditions. ClinVar contains an entry for this variant (Variation ID: 972235). Experimental studies and prediction algorithms are not available or were not evaluated, and the functional significance of this variant is currently unknown. In summary, the available evidence is currently insufficient to determine the role of this variant in disease. Therefore, it has been classified as a Variant of Uncertain Significance.

Mayo Clinic Laboratories, Mayo Clinic
Classification: Uncertain significance. Last evaluated: 2019-12-04. Review status: criteria provided, single submitter. Criteria: ACMG Guidelines, 2015. Collection method: clinical testing. Allele origin: germline. Observed: 1 variant allele.

Natera, Inc.
Classification: Uncertain significance for Cartilage-hair hypoplasia. Last evaluated: 2020-04-09. Review status: no assertion criteria provided. Collection method: clinical testing. Allele origin: germline. Not counted in ClinVar's aggregate classification.